The following is an entry in ClinVar:

NM_020975.6(RET):c.242A>G (p.His81Arg)

Gene: RET (ret proto-oncogene; plus strand). Cytogenetic location: 10q11.21.
Variant type: single nucleotide variant.
Coding change: c.242A>G on transcript NM_020975.6 (MANE Select); coding-DNA position 242, A replaced by G.
Protein change: p.His81Arg; replaces histidine 81 with arginine.
Molecular consequence: missense variant.
Genome position (GRCh38, 1-based): chr10:43,100,627, A>G. VCF-style: chr10-43100627-A-G. GRCh37 (hg19) VCF-style: chr10-43596075-A-G.
Other names: c.242A>G, p.His81Arg (NM_000323.2, NM_001406743.1, NM_001406744.1 and 34 more transcripts); short protein forms H81R.
Identifiers: ClinVar variation 1064183 (VCV001064183.14), dbSNP rs1217729118, ClinGen allele CA376770384.
Genomic context (GRCh38, chr10:43,100,627, plus strand): 5'-AGGAGGTGCCCAGCTTCCGCCTGGGCCAGCATCTCTACGGCACGTACCGCACACGGCTGC[A>G]TGAGAACAACTGGATCTGCATCCAGGAGGACACCGGCCTCCTCTACCTTAACCGGAGCCT-3'
Protein context (NP_066124.1, residues 71-91): HLYGTYRTRL[His81Arg]ENNWICIQED

ClinVar aggregate classification (germline): Uncertain significance. Review status: criteria provided, multiple submitters, no conflicts (2 of 4 stars). 5 submissions from 5 submitters: Uncertain significance (5). Last evaluated 2025-08-18.

Conditions:
Hereditary cancer-predisposing syndrome. Also called: Neoplastic Syndromes, Hereditary; Tumor predisposition; Hereditary Cancer Syndrome; Hereditary neoplastic syndrome. Identifiers: Orphanet 140162, MedGen C0027672, MeSH D009386, MONDO:0015356.
Multiple endocrine neoplasia type 2B. Also called: MUCOSAL NEUROMA SYNDROME; Multiple endocrine neoplasia, type 3; MULTIPLE ENDOCRINE NEOPLASIA, TYPE IIB; MEN IIB; NEUROMATA, MUCOSAL, WITH ENDOCRINE TUMORS; WAGENMANN-FROBOESE SYNDROME. Identifiers: Orphanet 247709, Orphanet 653, MedGen C0025269, MeSH D018814, MONDO:0008082, OMIM 162300.
Pheochromocytoma. Also called: MAX-Related Hereditary Paraganglioma-Pheochromocytoma Syndrome. Identifiers: Orphanet 29072, MedGen C0031511, MONDO:0008233, OMIM 171300, HP:0002666.
Familial medullary thyroid carcinoma (MTC). Also called: Thyroid cancer, familial medullary; MTC, familial; Familial Medullary Thyroid Carcinoma (FMTC). Identifiers: Orphanet 653, Orphanet 99361, MedGen C1833921, MONDO:0007958, OMIM 155240.
Hirschsprung disease, susceptibility to, 1 (HSCR1). Also called: RET-Related Hirschsprung Disease. Identifiers: Orphanet 388, MedGen C3888239, MONDO:0007723, OMIM 142623.
Multiple endocrine neoplasia type 2A. Also called: MULTIPLE ENDOCRINE NEOPLASIA, TYPE IIA; PTC SYNDROME; SIPPLE SYNDROME; MEN 2A; MEN-2A syndrome; Pheochromocytoma and amyloid producing medullary thyroid carcinoma. Identifiers: Orphanet 247698, Orphanet 653, MedGen C0025268, MeSH D018813, MONDO:0008234, OMIM 171400.
Multiple endocrine neoplasia, type 2 (MEN2). Identifiers: Orphanet 653, MedGen C4048306, MONDO:0019003. Disease mechanism: gain of function.

Allele frequency attached by ClinVar (database versions not stated): gnomAD exomes below 0.00001.
gnomAD v4.1: 3 of 1,613,842 alleles (0.00019%); highest among the groups gnomAD compares: Admixed American, 0.0017%; no homozygotes.

Submissions (5):

Labcorp Genetics (formerly Invitae), Labcorp
Classification: Uncertain significance for Multiple endocrine neoplasia, type 2. Last evaluated: 2025-08-18. Review status: criteria provided, single submitter. Criteria: Invitae Variant Classification Sherloc (09022015). Collection method: clinical testing. Allele origin: germline.
Comment: This sequence change replaces histidine, which is basic and polar, with arginine, which is basic and polar, at codon 81 of the RET protein (p.His81Arg). This variant is present in population databases (no rsID available, gnomAD 0.003%). This variant has not been reported in the literature in individuals affected with RET-related conditions. ClinVar contains an entry for this variant (Variation ID: 1064183). An algorithm developed to predict the effect of missense changes on protein structure and function (PolyPhen-2) suggests that this variant is likely to be tolerated. In summary, the available evidence is currently insufficient to determine the role of this variant in disease. Therefore, it has been classified as a Variant of Uncertain Significance.

All of Us Research Program, National Institutes of Health
Classification: Uncertain significance for Multiple endocrine neoplasia, type 2. Last evaluated: 2024-08-06. Review status: criteria provided, single submitter. Criteria: ACMG Guidelines, 2015. Collection method: clinical testing. Allele origin: germline. Inheritance: Autosomal dominant inheritance. Observed: 2 variant alleles, 2 heterozygotes.
Comment: This missense variant replaces histidine with arginine at codon 81 of the RET protein. Computational prediction suggests that this variant may not impact protein structure and function (internally defined REVEL score threshold <= 0.5, PMID: 27666373). To our knowledge, functional studies have not been reported for this variant. This variant has not been reported in individuals affected with RET-related disorders in the literature. This variant has been identified in 1/250406 chromosomes in the general population by the Genome Aggregation Database (gnomAD). The available evidence is insufficient to determine the role of this variant in disease conclusively. Therefore, this variant is classified as a Variant of Uncertain Significance.

This study involves interpretation of variants in research participants for the purpose of population health screening. Participant phenotype was not available at the time of variant classification. Additional details can be found in publication PMID: 35346344, PMCID: PMC8962531

Quest Diagnostics Nichols Institute San Juan Capistrano
Classification: Uncertain significance. Last evaluated: 2024-06-07. Review status: criteria provided, single submitter. Criteria: Quest Diagnostics criteria. Collection method: clinical testing. Allele origin: unknown.

Fulgent Genetics
Classification: Uncertain significance for Hirschsprung disease, susceptibility to, 1; Familial medullary thyroid carcinoma; Multiple endocrine neoplasia type 2B; Pheochromocytoma; Multiple endocrine neoplasia type 2A. Last evaluated: 2024-05-28. Review status: criteria provided, single submitter. Criteria: ACMG Guidelines, 2015. Collection method: clinical testing. Allele origin: germline.

Ambry Genetics
Classification: Uncertain significance for Hereditary cancer-predisposing syndrome. Last evaluated: 2023-06-28. Review status: criteria provided, single submitter. Criteria: Ambry Variant Classification Scheme 2023. Collection method: clinical testing. Allele origin: germline.
Comment: The p.H81R variant (also known as c.242A>G), located in coding exon 2 of the RET gene, results from an A to G substitution at nucleotide position 242. The histidine at codon 81 is replaced by arginine, an amino acid with highly similar properties. This amino acid position is conserved. In addition, this alteration is predicted to be tolerated by in silico analysis. Since supporting evidence is limited at this time, the clinical significance of this alteration remains unclear.